The following is an entry in ClinVar:

NM_015425.6(POLR1A):c.5003C>T (p.Pro1668Leu)

Gene: POLR1A (RNA polymerase I subunit A; minus strand). Cytogenetic location: 2p11.2.
Variant type: single nucleotide variant.
Coding change: c.5003C>T on transcript NM_015425.6 (MANE Select); coding-DNA position 5003, C replaced by T.
Protein change: p.Pro1668Leu; replaces proline 1668 with leucine.
Molecular consequence: missense variant.
Genome position (GRCh38, 1-based): chr2:86,027,944, G>A on the plus strand (C>T on the coding strand, the complement: POLR1A is on the minus strand). VCF-style: chr2-86027944-G-A. GRCh37 (hg19) VCF-style: chr2-86255067-G-A.
Other names: short protein forms P1668L.
Identifiers: ClinVar variation 4807691 (VCV004807691.1).

ClinVar aggregate classification (germline): Uncertain significance (1 of 4 stars; one submission).

gnomAD v4.1: 4 of 1,614,218 alleles (0.00025%); highest among the groups gnomAD compares: South Asian, 0.0011%; no homozygotes.

Submission:

Labcorp Genetics (formerly Invitae), Labcorp
Classification: Uncertain significance. Last evaluated: 2025-07-03. Review status: criteria provided, single submitter. Criteria: Invitae Variant Classification Sherloc (09022015). Collection method: clinical testing. Allele origin: germline.
Comment: This sequence change replaces proline, which is neutral and non-polar, with leucine, which is neutral and non-polar, at codon 1668 of the POLR1A protein (p.Pro1668Leu). This variant is not present in population databases (gnomAD no frequency). This variant has not been reported in the literature in individuals affected with POLR1A-related conditions. Invitae Evidence Modeling of protein sequence and biophysical properties (such as structural, functional, and spatial information, amino acid conservation, physicochemical variation, residue mobility, and thermodynamic stability) indicates that this missense variant is expected to disrupt POLR1A protein function with a positive predictive value of 80%. In summary, the available evidence is currently insufficient to determine the role of this variant in disease. Therefore, it has been classified as a Variant of Uncertain Significance.